The following is an entry in ClinVar:

NM_025257.3(SLC44A4):c.145A>G (p.Ile49Val)

Gene: SLC44A4 (solute carrier family 44 member 4; minus strand). Cytogenetic location: 6p21.33.
Variant type: single nucleotide variant.
Coding change: c.145A>G on transcript NM_025257.3 (MANE Select); coding-DNA position 145, A replaced by G.
Protein change: p.Ile49Val; replaces isoleucine 49 with valine.
Molecular consequence: missense variant. On other transcripts: 5 prime UTR variant (1).
Genome position (GRCh38, 1-based): chr6:31,876,074, T>C on the plus strand (A>G on the coding strand, the complement: SLC44A4 is on the minus strand). VCF-style: chr6-31876074-T-C. GRCh37 (hg19) VCF-style: chr6-31843851-T-C.
Other names: c.145A>G, p.Ile49Val (NM_001178044.2, NM_032794.1); c.-84A>G (NM_001178045.2); short protein forms I49V.
Identifiers: ClinVar variation 2002068 (VCV002002068.4), dbSNP rs755379510, ClinGen allele CA3725810.

ClinVar aggregate classification (germline): Uncertain significance (1 of 4 stars; one submission).

Allele frequency attached by ClinVar (database versions not stated): gnomAD exomes below 0.00001; ExAC 0.00001.
gnomAD v4.1: 1 of 1,613,900 alleles (0.000062%); highest among the groups gnomAD compares: East Asian, 0.0022%; no homozygotes.

Submission:

Labcorp Genetics (formerly Invitae), Labcorp
Classification: Uncertain significance. Last evaluated: 2022-07-09. Review status: criteria provided, single submitter. Criteria: Invitae Variant Classification Sherloc (09022015). Collection method: clinical testing. Allele origin: germline.
Comment: In summary, the available evidence is currently insufficient to determine the role of this variant in disease. Therefore, it has been classified as a Variant of Uncertain Significance. Algorithms developed to predict the effect of missense changes on protein structure and function are either unavailable or do not agree on the potential impact of this missense change (SIFT: "Not Available"; PolyPhen-2: "Benign"; Align-GVGD: "Not Available"). This variant has not been reported in the literature in individuals affected with SLC44A4-related conditions. This variant is present in population databases (rs755379510, gnomAD 0.0009%). This sequence change replaces isoleucine, which is neutral and non-polar, with valine, which is neutral and non-polar, at codon 49 of the SLC44A4 protein (p.Ile49Val).